The following is an entry in ClinVar:

ClinVar aggregate classification (germline): Uncertain significance. Review status: criteria provided, multiple submitters, no conflicts (2 of 4 stars). 2 submissions from 2 submitters: Uncertain significance (2). Last evaluated 2025-07-02.

Conditions:
Inborn genetic diseases. Identifiers: MedGen C0950123, MeSH D030342.
CHARGE syndrome (CHARGE). Also called: Hittner Hirsch Kreh syndrome; Coloboma, heart anomaly, choanal atresia, retardation, genital and ear anomalies; CHARGE association; Hall-Hittner syndrome; CHARGE ASSOCIATION--COLOBOMA, HEART ANOMALY, CHOANAL ATRESIA, RETARDATION, GENITAL AND EAR ANOMALIES. Identifiers: Orphanet 138, MedGen C0265354, MONDO:0008965.

Submissions (2):

Labcorp Genetics (formerly Invitae), Labcorp
Classification: Uncertain significance for CHARGE syndrome. Last evaluated: 2025-07-02. Review status: criteria provided, single submitter. Criteria: Invitae Variant Classification Sherloc (09022015). Collection method: clinical testing. Allele origin: germline.
Comment: This sequence change replaces glutamic acid, which is acidic and polar, with glutamine, which is neutral and polar, at codon 2506 of the CHD7 protein (p.Glu2506Gln). This variant is not present in population databases (gnomAD no frequency). This variant has not been reported in the literature in individuals affected with CHD7-related conditions. ClinVar contains an entry for this variant (Variation ID: 972580). Invitae Evidence Modeling of protein sequence and biophysical properties (such as structural, functional, and spatial information, amino acid conservation, physicochemical variation, residue mobility, and thermodynamic stability) indicates that this missense variant is not expected to disrupt CHD7 protein function with a negative predictive value of 95%. In summary, the available evidence is currently insufficient to determine the role of this variant in disease. Therefore, it has been classified as a Variant of Uncertain Significance.

Ambry Genetics
Classification: Uncertain significance for Inborn genetic diseases. Last evaluated: 2019-11-27. Review status: criteria provided, single submitter. Criteria: Ambry Variant Classification Scheme 2023. Collection method: clinical testing. Allele origin: germline.
Comment: The p.E2506Q variant (also known as c.7516G>C), located in coding exon 33 of the CHD7 gene, results from a G to C substitution at nucleotide position 7516. The glutamic acid at codon 2506 is replaced by glutamine, an amino acid with highly similar properties. This amino acid position is highly conserved in available vertebrate species. In addition, the in silico prediction for this alteration is inconclusive. Since supporting evidence is limited at this time, the clinical significance of this alteration remains unclear.

NM_017780.4(CHD7):c.7516G>C (p.Glu2506Gln)

Gene: CHD7 (chromodomain helicase DNA binding protein 7; plus strand). Cytogenetic location: 8q12.2.
Variant type: single nucleotide variant.
Coding change: c.7516G>C on transcript NM_017780.4 (MANE Select); coding-DNA position 7516, G replaced by C.
Protein change: p.Glu2506Gln; replaces glutamic acid 2506 with glutamine.
Molecular consequence: missense variant. On other transcripts: intron variant (1).
Genome position (GRCh38, 1-based): chr8:60,856,796, G>C. VCF-style: chr8-60856796-G-C. GRCh37 (hg19) VCF-style: chr8-61769355-G-C.
Other names: c.1717-5433G>C (NM_001316690.1); short protein forms E2506Q.
Identifiers: ClinVar variation 972580 (VCV000972580.11), dbSNP rs1805738026, ClinGen allele CA371302154.
Genomic context (GRCh38, chr8:60,856,796, plus strand): 5'-CAAGCAGGCCTTTCGCGCACACCCACAAGGCATCTCCTTAATGGCTCCCTAGTGGATGGA[G>C]AGCCTCCCATGAAGAGGAGGCGGGGAAGGAGGAAAAATGTGGAGGGACTTGATCTGCTTT-3'
Protein context (NP_060250.2, residues 2496-2516): HLLNGSLVDG[Glu2506Gln]PPMKRRRGRR